The following is an entry in ClinVar:

ClinVar aggregate classification (germline): Likely benign (1 of 4 stars; one submission).

gnomAD v4.1: 23 of 1,612,648 alleles (0.0014%); highest among the groups gnomAD compares: African/African-American, 0.028%; no homozygotes.

Submission:

CeGaT Center for Human Genetics Tuebingen
Classification: Likely benign. Last evaluated: 2026-05-01. Review status: criteria provided, single submitter. Criteria: CeGaT Center For Human Genetics Tuebingen Variant Classification Criteria Version 2. Collection method: clinical testing. Allele origin: germline. Affected: yes. Observed: 1 variant allele.
Comment: PCDHGC4: BP4, BP7

NM_018928.3(PCDHGC4):c.483T>C (p.Asp161=)

Genes: PCDHG@ (protocadherin gamma cluster; plus strand), PCDHGA1 (protocadherin gamma subfamily A, 1; plus strand), PCDHGA10 (protocadherin gamma subfamily A, 10; plus strand), PCDHGA11 (protocadherin gamma subfamily A, 11; plus strand), PCDHGA12 (protocadherin gamma subfamily A, 12; plus strand) and 17 more. Cytogenetic location: 5q31.3.
Variant type: single nucleotide variant.
Coding change: c.483T>C on transcript NM_018928.3 (MANE Select); coding-DNA position 483, T replaced by C.
Protein change: p.Asp161=; no amino-acid change (aspartic acid 161 retained).
Molecular consequence: synonymous variant. On other transcripts: intron variant (23).
Genome position (GRCh38, 1-based): chr5:141,485,656, T>C. VCF-style: chr5-141485656-T-C. GRCh37 (hg19) VCF-style: chr5-140865223-T-C.
Other names: c.483T>C, p.Asp161= (NM_032406.1); c.2422-9151T>C (NM_018912.3, NM_018923.3, NM_018918.3); c.2425-9151T>C (NM_018915.4, NM_018916.4, NM_018919.3 and 4 more transcripts); c.2410-9151T>C (NM_018922.3); c.2515-9151T>C (NM_018917.4); c.2416-9151T>C (NM_018924.5, NM_018927.4); c.2398-9151T>C (NM_003736.4, NM_018925.3); c.2419-9151T>C (NM_018926.3); and 6 more.
Identifiers: ClinVar variation 4874009 (VCV004874009.2).